The following is an entry in ClinVar:

ClinVar aggregate classification (germline): Benign. Review status: criteria provided, multiple submitters, no conflicts (2 of 4 stars). 12 submissions from 8 submitters: Benign (11). 1 of the submissions does not count toward it. Last evaluated 2026-02-04.

Conditions:
Congenital myasthenic syndrome 16. Identifiers: Orphanet 590, MedGen C3280112, MONDO:0013620, OMIM 614198.
Paramyotonia congenita of Von Eulenburg. Also called: PARALYSIS PERIODICA PARAMYOTONICA; Paramyotonia Congenita; Eulenburg disease; Myotonia congenita intermittens; Von Eulenburg paramyotonia congenita. Identifiers: Orphanet 684, MedGen C0221055, MONDO:0008195, OMIM 168300. Disease mechanism: loss of function.
Hypokalemic periodic paralysis, type 2 (HOKPP2). Identifiers: Orphanet 681, MedGen C2750061, MONDO:0013234, OMIM 613345.
Hyperkalemic periodic paralysis. Also called: Familial hyperkalemic periodic paralysis; Gamstorp disease. Identifiers: Orphanet 682, MedGen C0238357, MONDO:0008224, OMIM 170500, HP:0007215.
Potassium-aggravated myotonia. Also called: MYOTONIA CONGENITA, ACETAZOLAMIDE-RESPONSIVE; MYOTONIA CONGENITA, ATYPICAL; SODIUM CHANNEL MUSCLE DISEASE; Myotonia congenita, atypical, acetazolamide-responsive. Identifiers: Orphanet 612, Orphanet 99734, Orphanet 99735, Orphanet 99736, MedGen C2931826, MONDO:0018959, OMIM 608390.

Allele frequency attached by ClinVar (database versions not stated): ESP Exome Variant Server 0.01881; gnomAD 0.01914 and 0.02066; 1000 Genomes Project 30x 0.02014; 1000 Genomes Project 0.01917; TOPMed 0.02144; gnomAD exomes 0.00403; ExAC 0.01118.
gnomAD v4.1: 5,469 of 1,569,074 alleles (0.35%); highest among the groups gnomAD compares: African/African-American, 6.6%; 194 homozygotes.

Submissions (14):

Labcorp Genetics (formerly Invitae), Labcorp
Classification: Benign for Hyperkalemic periodic paralysis. Last evaluated: 2026-02-04. Review status: criteria provided, single submitter. Criteria: Invitae Variant Classification Sherloc (09022015). Collection method: clinical testing. Allele origin: germline.

Athena Diagnostics
Classification: Benign. Last evaluated: 2021-12-22. Review status: criteria provided, single submitter. Criteria: Athena Diagnostics Criteria. Collection method: clinical testing. Allele origin: unknown.

Mayo Clinic Laboratories, Mayo Clinic
Classification: Benign. Last evaluated: 2019-02-08. Review status: criteria provided, single submitter. Criteria: ACMG Guidelines, 2015. Collection method: clinical testing. Allele origin: germline. Observed: 21 variant alleles.

Illumina Laboratory Services, Illumina
Classification: Benign for Hypokalemic periodic paralysis, type 2. Last evaluated: 2018-01-13. Review status: criteria provided, single submitter. Criteria: ICSL Variant Classification Criteria 13 December 2019. Collection method: clinical testing. Allele origin: germline.
Comment: This variant was observed in the ICSL laboratory as part of a predisposition screen in an ostensibly healthy population. It had not been previously curated by ICSL or reported in the Human Gene Mutation Database (HGMD: prior to June 1st, 2018), and was therefore a candidate for classification through an automated scoring system. Utilizing variant allele frequency, disease prevalence and penetrance estimates, and inheritance mode, an automated score was calculated to assess if this variant is too frequent to cause the disease. Based on the score and internal cut-off values, a variant classified as benign is not then subjected to further curation. The score for this variant resulted in a classification of benign for this disease.

Illumina Laboratory Services, Illumina
Classification: Benign for Congenital myasthenic syndrome 16. Last evaluated: 2018-01-13. Review status: criteria provided, single submitter. Criteria: ICSL Variant Classification Criteria 13 December 2019. Collection method: clinical testing. Allele origin: germline.
Comment: the same text as in the submission from Illumina Laboratory Services, Illumina above.

Illumina Laboratory Services, Illumina
Classification: Benign for Potassium-aggravated myotonia. Last evaluated: 2018-01-13. Review status: criteria provided, single submitter. Criteria: ICSL Variant Classification Criteria 13 December 2019. Collection method: clinical testing. Allele origin: germline.
Comment: the same text as in the submission from Illumina Laboratory Services, Illumina above.

Illumina Laboratory Services, Illumina
Classification: Benign for Paramyotonia congenita of Von Eulenburg. Last evaluated: 2018-01-13. Review status: criteria provided, single submitter. Criteria: ICSL Variant Classification Criteria 13 December 2019. Collection method: clinical testing. Allele origin: germline.
Comment: the same text as in the submission from Illumina Laboratory Services, Illumina above.

Illumina Laboratory Services, Illumina
Classification: Benign for Hyperkalemic periodic paralysis. Last evaluated: 2018-01-13. Review status: criteria provided, single submitter. Criteria: ICSL Variant Classification Criteria 13 December 2019. Collection method: clinical testing. Allele origin: germline.
Comment: the same text as in the submission from Illumina Laboratory Services, Illumina above.

GeneDx
Classification: Benign. Last evaluated: 2016-10-17. Review status: criteria provided, single submitter. Criteria: GeneDx Variant Classification (06012015). Collection method: clinical testing. Allele origin: germline. Affected: yes.
Comment: This variant is considered likely benign or benign based on one or more of the following criteria: it is a conservative change, it occurs at a poorly conserved position in the protein, it is predicted to be benign by multiple in silico algorithms, and/or has population frequency not consistent with disease.

Breakthrough Genomics
Classification: Benign. Review status: criteria provided, single submitter. Criteria: ACMG Guidelines, 2015. Collection method: not provided. Allele origin: germline. Inheritance: Autosomal recessive inheritance. Affected: yes.

PreventionGenetics, part of Exact Sciences
Classification: Benign. Review status: criteria provided, single submitter. Criteria: ACMG Guidelines, 2015. Collection method: clinical testing. Allele origin: germline.

Dr. Peter K. Rogan Lab, Western University
No classification provided (evidence only). Condition: Lung cancer. Review status: no classification provided. Collection method: in vitro. Allele origin: not applicable. Functional consequence: retained intron. Not counted in ClinVar's aggregate classification.

Dr. Peter K. Rogan Lab, Western University
No classification provided (evidence only). Condition: Lung cancer. Review status: no classification provided. Collection method: in vitro. Allele origin: not applicable. Functional consequence: retained intron. Not counted in ClinVar's aggregate classification.

Genetic Services Laboratory, University of Chicago
Classification: Likely benign for AllHighlyPenetrant. Review status: no assertion criteria provided. Collection method: clinical testing. Allele origin: germline. Inheritance: Autosomal recessive inheritance. Not counted in ClinVar's aggregate classification.
Comment: Likely benign based on allele frequency in 1000 Genomes Project or ESP global frequency and its presence in a patient with a rare or unrelated disease phenotype. NOT Sanger confirmed.

NM_000334.4(SCN4A):c.2989+5G>A

Genes: SCN4A (sodium voltage-gated channel alpha subunit 4; minus strand), GH-LCR (growth hormone locus control region; plus strand). Cytogenetic location: 17q23.3.
Variant type: single nucleotide variant.
Coding change: c.2989+5G>A on transcript NM_000334.4 (MANE Select); 5 bases into the intron after coding-DNA position 2989, G replaced by A.
Molecular consequence: intron variant.
Genome position (GRCh38, 1-based): chr17:63,949,388, C>T on the plus strand (G>A on the coding strand, the complement: SCN4A is on the minus strand). VCF-style: chr17-63949388-C-T. GRCh37 (hg19) VCF-style: chr17-62026748-C-T.
Identifiers: ClinVar variation 130231 (VCV000130231.25), dbSNP rs115695396, ClinGen allele CA155073.